The following is an entry in ClinVar:

ClinVar aggregate classification (germline): Uncertain significance (1 of 4 stars; one submission).

Conditions:
Dilated cardiomyopathy 1JJ (CMD1JJ). Identifiers: Orphanet 154, MedGen C3808935, MONDO:0014095, OMIM 615235.

gnomAD v4.1: 6 of 1,613,792 alleles (0.00037%); highest among the groups gnomAD compares: Admixed American, 0.0083%; no homozygotes.

Submission:

Labcorp Genetics (formerly Invitae), Labcorp
Classification: Uncertain significance for Dilated cardiomyopathy 1JJ. Last evaluated: 2025-04-24. Review status: criteria provided, single submitter. Criteria: Invitae Variant Classification Sherloc (09022015). Collection method: clinical testing. Allele origin: germline.
Comment: This sequence change replaces valine, which is neutral and non-polar, with isoleucine, which is neutral and non-polar, at codon 1216 of the LAMA4 protein (p.Val1216Ile). This variant is present in population databases (rs781868927, gnomAD 0.01%). This variant has not been reported in the literature in individuals affected with LAMA4-related conditions. Invitae Evidence Modeling of protein sequence and biophysical properties (such as structural, functional, and spatial information, amino acid conservation, physicochemical variation, residue mobility, and thermodynamic stability) indicates that this missense variant is not expected to disrupt LAMA4 protein function with a negative predictive value of 80%. In summary, the available evidence is currently insufficient to determine the role of this variant in disease. Therefore, it has been classified as a Variant of Uncertain Significance.

NM_001105206.3(LAMA4):c.3667G>A (p.Val1223Ile)

Gene: LAMA4 (laminin subunit alpha 4; minus strand). Cytogenetic location: 6q21.
Variant type: single nucleotide variant.
Coding change: c.3667G>A on transcript NM_001105206.3 (MANE Select); coding-DNA position 3667, G replaced by A.
Protein change: p.Val1223Ile; replaces valine 1223 with isoleucine.
Molecular consequence: missense variant.
Genome position (GRCh38, 1-based): chr6:112,133,378, C>T on the plus strand (G>A on the coding strand, the complement: LAMA4 is on the minus strand). VCF-style: chr6-112133378-C-T. GRCh37 (hg19) VCF-style: chr6-112454580-C-T.
Other names: c.3646G>A, p.Val1216Ile (NM_001105207.3, NM_002290.5); short protein forms V1216I, V1223I.
Identifiers: ClinVar variation 4749788 (VCV004749788.1).